The following is an entry in ClinVar:

ClinVar aggregate classification (germline): Uncertain significance (1 of 4 stars; one submission).

Conditions:
Tuberous sclerosis 1 (TSC1). Identifiers: Orphanet 805, MedGen C1854465, MONDO:0008612, OMIM 191100.

Submission:

Labcorp Genetics (formerly Invitae), Labcorp
Classification: Uncertain significance for Tuberous sclerosis 1. Last evaluated: 2024-10-19. Review status: criteria provided, single submitter. Criteria: Invitae Variant Classification Sherloc (09022015). Collection method: clinical testing. Allele origin: germline.
Comment: This sequence change replaces serine, which is neutral and polar, with proline, which is neutral and non-polar, at codon 832 of the TSC1 protein (p.Ser832Pro). This variant is not present in population databases (gnomAD no frequency). This variant has not been reported in the literature in individuals affected with TSC1-related conditions. Invitae Evidence Modeling of protein sequence and biophysical properties (such as structural, functional, and spatial information, amino acid conservation, physicochemical variation, residue mobility, and thermodynamic stability) has been performed for this missense variant. However, the output from this modeling did not meet the statistical confidence thresholds required to predict the impact of this variant on TSC1 protein function. In summary, the available evidence is currently insufficient to determine the role of this variant in disease. Therefore, it has been classified as a Variant of Uncertain Significance.

NM_000368.5(TSC1):c.2494T>C (p.Ser832Pro)

Gene: TSC1 (TSC complex subunit 1; minus strand). Cytogenetic location: 9q34.13.
Variant type: single nucleotide variant.
Coding change: c.2494T>C on transcript NM_000368.5 (MANE Select); coding-DNA position 2494, T replaced by C.
Protein change: p.Ser832Pro; replaces serine 832 with proline.
Molecular consequence: missense variant. On other transcripts: non-coding transcript variant (5), intron variant (8).
Genome position (GRCh38, 1-based): chr9:132,901,597, A>G on the plus strand (T>C on the coding strand, the complement: TSC1 is on the minus strand). VCF-style: chr9-132901597-A-G. GRCh37 (hg19) VCF-style: chr9-135776984-A-G.
Other names: c.2491T>C, p.Ser831Pro (NM_001406599.1, NM_001406600.1, NM_001406598.1 and 2 more transcripts); c.2479T>C, p.Ser827Pro (NM_001406601.1, NM_001406602.1); c.2476T>C, p.Ser826Pro (NM_001406603.1, NM_001406604.1); c.2341T>C, p.Ser781Pro (NM_001406610.1, NM_001162427.2); c.2338T>C, p.Ser780Pro (NM_001406611.1, NM_001406612.1); c.2131T>C, p.Ser711Pro (NM_001406614.1, NM_001406615.1, NM_001406616.1 and 4 more transcripts); c.2128T>C, p.Ser710Pro (NM_001406620.1, NM_001406621.1, NM_001406622.1 and 1 more transcripts); c.1543T>C, p.Ser515Pro (NM_001406626.1); and 8 more; short protein forms S481P, S515P, S781P, S826P, S514P, S780P, S827P, S831P.
Identifiers: ClinVar variation 3720861 (VCV003720861.2).